The following is an entry in ClinVar:

NM_001330260.2(SCN8A):c.5939G>A (p.Cys1980Tyr)

Gene: SCN8A (sodium voltage-gated channel alpha subunit 8; plus strand). Cytogenetic location: 12q13.13.
Variant type: single nucleotide variant.
Coding change: c.5939G>A on transcript NM_001330260.2 (MANE Select); coding-DNA position 5939, G replaced by A.
Protein change: p.Cys1980Tyr; replaces cysteine 1980 with tyrosine.
Molecular consequence: missense variant.
Genome position (GRCh38, 1-based): chr12:51,807,425, G>A. VCF-style: chr12-51807425-G-A. GRCh37 (hg19) VCF-style: chr12-52201209-G-A.
Other names: c.5816G>A, p.Cys1939Tyr (NM_001177984.3, NM_001369788.1); c.5939G>A, p.Cys1980Tyr (NM_014191.4); short protein forms C1939Y, C1980Y.
Identifiers: ClinVar variation 4801293 (VCV004801293.1).

ClinVar aggregate classification (germline): Uncertain significance (1 of 4 stars; one submission).

Conditions:
Early-infantile DEE. Also called: Early infantile epileptic encephalopathy with suppression bursts; Early infantile epileptic encephalopathy; Ohtahara syndrome. Identifiers: Orphanet 1934, MedGen C0393706, MONDO:0800491.

Submission:

Labcorp Genetics (formerly Invitae), Labcorp
Classification: Uncertain significance for Early-infantile DEE. Last evaluated: 2025-10-17. Review status: criteria provided, single submitter. Criteria: Invitae Variant Classification Sherloc (09022015). Collection method: clinical testing. Allele origin: germline.
Comment: This sequence change replaces cysteine, which is neutral and slightly polar, with tyrosine, which is neutral and polar, at codon 1980 of the SCN8A protein (p.Cys1980Tyr). This variant is not present in population databases (gnomAD no frequency). This variant has not been reported in the literature in individuals affected with SCN8A-related conditions. Invitae Evidence Modeling of protein sequence and biophysical properties (such as structural, functional, and spatial information, amino acid conservation, physicochemical variation, residue mobility, and thermodynamic stability) indicates that this missense variant is not expected to disrupt SCN8A protein function with a negative predictive value of 95%. In summary, the available evidence is currently insufficient to determine the role of this variant in disease. Therefore, it has been classified as a Variant of Uncertain Significance.